The following is an entry in ClinVar:

NC_000016.10:g.(89803342_89805279)_(89816657_?)del

Gene: FANCA (FA complementation group A; minus strand). Cytogenetic location: 16q24.3.
Variant type: Deletion.
Identifiers: ClinVar variation 974081 (VCV000974081.1).

ClinVar aggregate classification (germline): Pathogenic (0 of 4 stars; one submission).

Conditions:
Fanconi anemia complementation group A (FANCA). Also called: Fanconi anemia, group A; FANCA-Related Fanconi Anemia. Identifiers: Orphanet 84, MedGen C3469521, MONDO:0009215, OMIM 227650.

Submission:

Leiden Open Variation Database
Classification: Pathogenic for Fanconi anemia complementation group A. Last evaluated: 2020-02-28. Review status: no assertion criteria provided. Collection method: curation. Allele origin: germline. Affected: yes.
Comment: Curator: Arleen D. Auerbach. Submitter to LOVD: Arleen D. Auerbach.

Literature cited by the submitters: PubMed 25168418.